The following is an entry in ClinVar:

NM_001039141.3(TRIOBP):c.5575C>G (p.His1859Asp)

Genes: TRIOBP (TRIO and F-actin binding protein; plus strand), LOC126863145 (CDK7 strongly-dependent group 2 enhancer GRCh37_chr22:38150829-38152028; plus strand). Cytogenetic location: 22q13.1.
Variant type: single nucleotide variant.
Coding change: c.5575C>G on transcript NM_001039141.3 (MANE Select); coding-DNA position 5575, C replaced by G.
Protein change: p.His1859Asp; replaces histidine 1859 with aspartic acid.
Molecular consequence: missense variant.
Genome position (GRCh38, 1-based): chr22:37,755,188, C>G. VCF-style: chr22-37755188-C-G. GRCh37 (hg19) VCF-style: chr22-38151195-C-G.
Other names: c.436C>G, p.His146Asp (NM_007032.5, NM_138632.2); short protein forms H1859D, H146D.
Identifiers: ClinVar variation 229362 (VCV000229362.5), dbSNP rs780379130, ClinGen allele CA10224738.
Genomic context (GRCh38, chr22:37,755,188, plus strand): 5'-CTGCGTTCCTGCACGGATGTCACTGAGTACGCGGTGCAGCGCAACTATGGCTTCCAGATC[C>G]ACGTGAGGCTGTGTGCAGCTTGGGGGCTGGTGGTGGGCAGCATGGCTGGAGGTCCCTGGG-3'
Protein context (NP_001034230.1, residues 1849-1869): AVQRNYGFQI[His1859Asp]TKDAVYTLSA

ClinVar aggregate classification (germline): Uncertain significance (1 of 4 stars; one submission).

Allele frequency attached by ClinVar (database versions not stated): gnomAD 0.00001.
gnomAD v4.1: 12 of 1,611,234 alleles (0.00074%); highest among the groups gnomAD compares: African/African-American, 0.0013%; no homozygotes.

Submission:

Laboratory for Molecular Medicine, Mass General Brigham Personalized Medicine
Classification: Uncertain significance. Last evaluated: 2016-03-03. Review status: criteria provided, single submitter. Criteria: LMM Criteria. Collection method: clinical testing. Allele origin: germline. Observed: 1 variant allele.
Comment: The p.His1859Asp variant in TRIOBP has not previously been reported in individua ls with hearing loss, but has been identified in 1/7906 of African chromosomes b y the Exome Aggregation Consortium (ExAC). Altho ugh this variant has been seen in the general population, its frequency is not h igh enough to rule out a pathogenic role. Computational prediction tools and con servation analyses suggest that the p.His1859Asp variant may impact the protein, though this information is not predictive enough to determine pathogenicity. Ho wever, this information is not predictive enough to rule out pathogenicity. In s ummary, the clinical significance of this variant is uncertain.